The following is an entry in ClinVar:

ClinVar aggregate classification (germline): Pathogenic. Review status: criteria provided, multiple submitters, no conflicts (2 of 4 stars). 6 submissions from 6 submitters: Pathogenic (4). 2 of the submissions do not count toward it. Last evaluated 2025-06-24.

Conditions:
Lymphoma, non-Hodgkin, familial. Identifiers: MedGen C4721532, MONDO:0011508, OMIM 605027.
Familial hemophagocytic lymphohistiocytosis 2 (FHL2). Also called: PRF1-Related Familial Hemophagocytic Lymphohistiocytosis (PRF1-fHLH). Identifiers: Orphanet 540, MedGen C1863727, MONDO:0011337, OMIM 603553.
Aplastic anemia. Identifiers: Orphanet 182040, Orphanet 88, MedGen C0002874, MONDO:0015909, OMIM 609135, HP:0001915.
Familial hemophagocytic lymphohistiocytosis (FHL). Also called: Hereditary hemophagocytic lymphohistiocytosis; Familial erythrophagocytic lymphohistiocytosis; Familial histiocytic reticulosis. Identifiers: Orphanet 158038, Orphanet 540, MedGen C0272199, MONDO:0015541.

Allele frequency attached by ClinVar (database versions not stated): gnomAD exomes 0.00001 and 0.00004; ExAC 0.00001.

Submissions (6):

Labcorp Genetics (formerly Invitae), Labcorp
Classification: Pathogenic for Familial hemophagocytic lymphohistiocytosis 2. Last evaluated: 2025-06-24. Review status: criteria provided, single submitter. Criteria: Invitae Variant Classification Sherloc (09022015). Collection method: clinical testing. Allele origin: germline.
Comment: This sequence change creates a premature translational stop signal (p.Leu364Glufs*93) in the PRF1 gene. While this is not anticipated to result in nonsense mediated decay, it is expected to disrupt the last 192 amino acid(s) of the PRF1 protein. This variant is present in population databases (rs771552960, gnomAD 0.02%). This premature translational stop signal has been observed in individual(s) with familial hemophagocytic lymphohistiocytosis (PMID: 11841437, 20015888, 23180437, 24578718, 26199792, 27896523, 29357941). ClinVar contains an entry for this variant (Variation ID: 13721). This variant disrupts a region of the PRF1 protein in which other variant(s) (p.Arg390*) have been determined to be pathogenic (PMID: 17601962, 21152410, 29357941). This suggests that this is a clinically significant region of the protein, and that variants that disrupt it are likely to be disease-causing. For these reasons, this variant has been classified as Pathogenic.

Women's Health and Genetics/Laboratory Corporation of America, LabCorp
Classification: Pathogenic for Familial hemophagocytic lymphohistiocytosis. Last evaluated: 2024-07-18. Review status: criteria provided, single submitter. Criteria: LabCorp Variant Classification Summary - May 2015. Collection method: clinical testing. Allele origin: germline.
Comment: Variant summary: PRF1 c.1090_1091delCT (p.Leu364GlufsX93) results in a premature termination codon, predicted to cause a truncation of the encoded protein or absence of the protein. The variant allele was found at a frequency of 1.2e-05 in 247068 control chromosomes. c.1090_1091delCT has been reported in the literature in multiple individuals affected with Familial Hemophagocytic Lymphohistiocytosis (examples: Hoshini_2020, Hori_2017). These data indicate that the variant is very likely to be associated with disease. The following publications have been ascertained in the context of this evaluation (PMID: 32914282, 27896523). ClinVar contains an entry for this variant (Variation ID: 13721). Based on the evidence outlined above, the variant was classified as pathogenic.

Fulgent Genetics
Classification: Pathogenic for Familial hemophagocytic lymphohistiocytosis 2; Lymphoma, non-Hodgkin, familial; Aplastic anemia. Last evaluated: 2024-06-15. Review status: criteria provided, single submitter. Criteria: ACMG Guidelines, 2015. Collection method: clinical testing. Allele origin: germline.

Baylor Genetics
Classification: Pathogenic for Aplastic anemia. Last evaluated: 2024-03-18. Review status: criteria provided, single submitter. Criteria: ACMG Guidelines, 2015. Collection method: clinical testing. Allele origin: unknown.

OMIM
Classification: Pathogenic for HEMOPHAGOCYTIC LYMPHOHISTIOCYTOSIS, FAMILIAL, 2. Last evaluated: 2003-05-01. Review status: no assertion criteria provided. Collection method: literature only. Allele origin: germline. Not counted in ClinVar's aggregate classification.

GeneReviews
No classification provided. Condition: Familial hemophagocytic lymphohistiocytosis 2. Review status: no classification provided. Collection method: literature only. Allele origin: germline. Not counted in ClinVar's aggregate classification.
Comment: Seen only in persons of Japanese descent [Trizzino et al 2008]

Literature cited by the submitters: PubMed 11841437 (cited by Labcorp Genetics (formerly Invitae), Labcorp); PubMed 20015888 (cited by Labcorp Genetics (formerly Invitae), Labcorp); PubMed 23180437 (cited by Labcorp Genetics (formerly Invitae), Labcorp); PubMed 24578718 (cited by Labcorp Genetics (formerly Invitae), Labcorp); PubMed 26199792 (cited by Labcorp Genetics (formerly Invitae), Labcorp); PubMed 27896523 (cited by Labcorp Genetics (formerly Invitae), Labcorp and Women's Health and Genetics/Laboratory Corporation of America, LabCorp); PubMed 29357941 (cited by Labcorp Genetics (formerly Invitae), Labcorp); PubMed 17601962 (cited by Labcorp Genetics (formerly Invitae), Labcorp); PubMed 21152410 (cited by Labcorp Genetics (formerly Invitae), Labcorp); PubMed 32914282 (cited by Women's Health and Genetics/Laboratory Corporation of America, LabCorp); PubMed 12716377 (cited by OMIM); PubMed 17873118 (cited by GeneReviews).

NM_001083116.3(PRF1):c.1090_1091del (p.Leu364fs)

Gene: PRF1 (perforin 1; minus strand). Cytogenetic location: 10q22.1.
Variant type: Deletion.
Coding change: c.1090_1091del on transcript NM_001083116.3 (MANE Select); coding-DNA positions 1090 to 1091, 2 bases deleted (CT; older notation c.1090_1091delCT).
Protein change: p.Leu364fs; shifts the reading frame from leucine 364.
Molecular consequence: frameshift variant.
Genome position (GRCh38, 1-based): chr10:70,598,630-70,598,631, AG deleted on the plus strand (CT on the coding strand, the reverse complement: PRF1 is on the minus strand). VCF-style (leftmost placement, unchanged base first): chr10-70598629-CAG-C. GRCh37 (hg19) VCF-style: chr10-72358385-CAG-C.
Other names: c.1090_1091del, p.Leu364fs (NM_005041.6); c.1090_1091delCT (NM_001083116.3); short protein forms L364fs.
Identifiers: ClinVar variation 13721 (VCV000013721.13), dbSNP rs771552960, ClinGen allele CA256954.
Genomic context (GRCh38, chr10:70,598,629, plus strand): 5'-CCCTGGTGGGCACGGCCGGCTGCAGTCCCTCCAGCGAGCCCTGTCCGTCAGGTACTGACT[CAG>C]GGCCCTCCTCAGTGCCTCCCGCCGCGGGTCCTGGCTGTCCAGCAGCACGTGCAGGGGTTC-3'